The following is an entry in ClinVar:

NM_000153.4(GALC):c.1417C>T (p.Arg473Cys)

Gene: GALC (galactosylceramidase; minus strand). Cytogenetic location: 14q31.3.
Variant type: single nucleotide variant.
Coding change: c.1417C>T on transcript NM_000153.4 (MANE Select); coding-DNA position 1417, C replaced by T.
Protein change: p.Arg473Cys; replaces arginine 473 with cysteine.
Molecular consequence: missense variant.
Genome position (GRCh38, 1-based): chr14:87,947,800, G>A on the plus strand (C>T on the coding strand, the complement: GALC is on the minus strand). VCF-style: chr14-87947800-G-A. GRCh37 (hg19) VCF-style: chr14-88414144-G-A.
Other names: p.Arg473Cys; c.1348C>T, p.Arg450Cys (NM_001201401.2); c.1339C>T, p.Arg447Cys (NM_001201402.2); short protein forms R450C, R447C, R473C.
Identifiers: ClinVar variation 2150988 (VCV002150988.2), dbSNP rs369347167, ClinGen allele CA7297018.

ClinVar aggregate classification (germline): Uncertain significance. Review status: criteria provided, multiple submitters, no conflicts (2 of 4 stars). 2 submissions from 2 submitters: Uncertain significance (2). Last evaluated 2025-10-23.

Conditions:
Galactosylceramide beta-galactosidase deficiency. Also called: Leukodystrophy, Globoid Cell; GALACTOCEREBROSIDASE DEFICIENCY; GALC DEFICIENCY; GLOBOID CELL LEUKOENCEPHALOPATHY; Krabbe Disease. Identifiers: Orphanet 487, MedGen C0023521, MONDO:0009499, OMIM 245200.

Allele frequency attached by ClinVar (database versions not stated): TOPMed 0.00001; gnomAD 0.00002; ExAC 0.00003; ESP Exome Variant Server 0.00008.
gnomAD v4.1: 26 of 1,612,676 alleles (0.0016%); highest among the groups gnomAD compares: South Asian, 0.0088%; no homozygotes.

Submissions (2):

Mayo Clinic Laboratories, Mayo Clinic
Classification: Uncertain significance. Last evaluated: 2025-10-23. Review status: criteria provided, single submitter. Criteria: ACMG Guidelines, 2015. Collection method: clinical testing. Allele origin: germline. Observed: 1 variant allele.

Labcorp Genetics (formerly Invitae), Labcorp
Classification: Uncertain significance for Galactosylceramide beta-galactosidase deficiency. Last evaluated: 2022-09-06. Review status: criteria provided, single submitter. Criteria: Invitae Variant Classification Sherloc (09022015). Collection method: clinical testing. Allele origin: germline.
Comment: This sequence change replaces arginine, which is basic and polar, with cysteine, which is neutral and slightly polar, at codon 473 of the GALC protein (p.Arg473Cys). This variant is present in population databases (rs369347167, gnomAD 0.01%). This variant has not been reported in the literature in individuals affected with GALC-related conditions. Advanced modeling of protein sequence and biophysical properties (such as structural, functional, and spatial information, amino acid conservation, physicochemical variation, residue mobility, and thermodynamic stability) performed at Invitae indicates that this missense variant is not expected to disrupt GALC protein function. In summary, the available evidence is currently insufficient to determine the role of this variant in disease. Therefore, it has been classified as a Variant of Uncertain Significance.